The following is an entry in ClinVar:

NM_139276.3(STAT3):c.709_712del (p.Asp237fs)

Genes: STAT3 (signal transducer and activator of transcription 3; minus strand), LOC130060888 (ATAC-STARR-seq lymphoblastoid active region 12197; plus strand). Cytogenetic location: 17q21.2.
Variant type: Deletion.
Coding change: c.709_712del on transcript NM_139276.3 (MANE Select); coding-DNA positions 709 to 712, 4 bases deleted (GACG; older notation c.709_712delGACG).
Protein change: p.Asp237fs; shifts the reading frame from aspartic acid 237.
Molecular consequence: frameshift variant.
Genome position (GRCh38, 1-based): chr17:42,337,520-42,337,523, CGTC deleted on the plus strand (GACG on the coding strand, the reverse complement: STAT3 is on the minus strand); deleting any 4 consecutive bases within chr17:42,337,520-42,337,526 gives the same sequence; the c. name uses the placement nearest the transcript's 3' end. VCF-style (leftmost placement, unchanged base first): chr17-42337519-TCGTC-T. GRCh37 (hg19) VCF-style: chr17-40489537-TCGTC-T.
Other names: c.709_712del, p.Asp237fs (NM_001384987.1, NM_001384988.1, NM_001384990.1 and 15 more transcripts); c.613_616del, p.Asp205fs (NM_001384989.1); c.631_634del, p.Asp211fs (NM_001384985.1); c.709_712delGACG (NM_139276.2); short protein forms D237fs, D205fs, D211fs.
Identifiers: ClinVar variation 418817 (VCV000418817.2), dbSNP rs1064793452, ClinGen allele CA16620415.
Genomic context (GRCh38, chr17:42,337,519, plus strand): 5'-ATGTTGGGCGGGCCTCCAATGCAGGCAATCTGTTGCCGCCTCTTCCAGTCAGCCAGCTCC[TCGTC>T]CGTGAGAGTTTTCTGCACGTACTCCATCGCTGACAAAAGCCCCGCCAGCTCACTCACGAT-3'

ClinVar aggregate classification (germline): Pathogenic (1 of 4 stars; one submission).

Submission:

GeneDx
Classification: Pathogenic. Last evaluated: 2015-04-21. Review status: criteria provided, single submitter. Criteria: GeneDx Variant Classification (06012015). Collection method: clinical testing. Allele origin: germline. Affected: yes.
Comment: The c.709_712delGACG variant in the STAT3 gene has not been reported previously as a pathogenic variant nor as a benign polymorphism, to our knowledge. The c.709_712delGACG deletion causes a frameshift starting with codon Aspartic Acid 237, changes this amino acid to an Arginine residue, and creates a premature Stop codon at position 23 of the new reading frame, denoted p.Asp237ArgfsX23.This variant is predicted to cause loss of normal protein function either through protein truncation or nonsense-mediated mRNA decay. Additionally, the c.709_712delGACG deletion was not observed in approximately 6,500 individuals of European and African American ancestry in the NHLBI Exome Sequencing Project, indicating it is not a common benign variant in these populations. Therefore, we interpret c.709_712delGACG as a pathogenic variant.